The following is an entry in ClinVar:

ClinVar aggregate classification (germline): Uncertain significance (1 of 4 stars; one submission).

Conditions:
Baller-Gerold syndrome (BGS). Also called: CRANIOSYNOSTOSIS WITH RADIAL DEFECTS. Identifiers: Orphanet 1225, MedGen C0265308, MONDO:0009039, OMIM 218600.

Allele frequency attached by ClinVar (database versions not stated): ExAC 0.00001; gnomAD 0.00001; 1000 Genomes Project 0.00020; 1000 Genomes Project 30x 0.00031.

Submission:

Labcorp Genetics (formerly Invitae), Labcorp
Classification: Uncertain significance for Baller-Gerold syndrome. Last evaluated: 2021-04-20. Review status: criteria provided, single submitter. Criteria: Invitae Variant Classification Sherloc (09022015). Collection method: clinical testing. Allele origin: germline.
Comment: In summary, the available evidence is currently insufficient to determine the role of this variant in disease. Therefore, it has been classified as a Variant of Uncertain Significance. Experimental studies and prediction algorithms are not available or were not evaluated, and the functional significance of this variant is currently unknown. This variant has not been reported in the literature in individuals with RECQL4-related conditions. This variant is present in population databases (rs568597345, ExAC 0.01%). This sequence change replaces leucine with phenylalanine at codon 518 of the RECQL4 protein (p.Leu518Phe). The leucine residue is highly conserved and there is a small physicochemical difference between leucine and phenylalanine.

NM_004260.4(RECQL4):c.1552C>T (p.Leu518Phe)

Gene: RECQL4 (RecQ like helicase 4; minus strand). Cytogenetic location: 8q24.3.
Variant type: single nucleotide variant.
Coding change: c.1552C>T on transcript NM_004260.4 (MANE Select); coding-DNA position 1552, C replaced by T.
Protein change: p.Leu518Phe; replaces leucine 518 with phenylalanine.
Molecular consequence: missense variant.
Genome position (GRCh38, 1-based): chr8:144,515,004, G>A on the plus strand (C>T on the coding strand, the complement: RECQL4 is on the minus strand). VCF-style: chr8-144515004-G-A. GRCh37 (hg19) VCF-style: chr8-145740388-G-A.
Other names: short protein forms L518F.
Identifiers: ClinVar variation 1492986 (VCV001492986.6), dbSNP rs568597345, ClinGen allele CA4948804.
Genomic context (GRCh38, chr8:144,515,004, plus strand): 5'-CCATGAGTGACAGCAGGGGAGAGACGACCAACGTGAGGCAGGGGCTGCGCCGGCTGTAGA[G>A]CAGCGCTGGGAGCTGGTAGCACAGGGACTTGCCGGCACCTGTAGGCAGCACCAGCAGCGT-3'
Protein context (NP_004251.4, residues 508-528): KSLCYQLPAL[Leu518Phe]YSRRSPCLTL